The following is an entry in ClinVar:

NM_001377.3(DYNC2H1):c.35T>G (p.Phe12Cys)

Gene: DYNC2H1 (dynein cytoplasmic 2 heavy chain 1; plus strand). Cytogenetic location: 11q22.3.
Variant type: single nucleotide variant.
Coding change: c.35T>G on transcript NM_001377.3 (MANE Select); coding-DNA position 35, T replaced by G.
Protein change: p.Phe12Cys; replaces phenylalanine 12 with cysteine.
Molecular consequence: missense variant.
Genome position (GRCh38, 1-based): chr11:103,109,609, T>G. VCF-style: chr11-103109609-T-G. GRCh37 (hg19) VCF-style: chr11-102980338-T-G.
Other names: c.35T>G, p.Phe12Cys (NM_001080463.2); c.35T>G (NM_001080463.1); short protein forms F12C.
Identifiers: ClinVar variation 2159867 (VCV002159867.3), dbSNP rs1445887867, ClinGen allele CA382240677.

ClinVar aggregate classification (germline): Uncertain significance. Review status: criteria provided, multiple submitters, no conflicts (2 of 4 stars). 2 submissions from 2 submitters: Uncertain significance (2). Last evaluated 2025-01-27.

Conditions:
Inborn genetic diseases. Identifiers: MedGen C0950123, MeSH D030342.
Jeune thoracic dystrophy. Also called: Jeune syndrome; Infantile thoracic dystrophy; Thoracic pelvic phalangeal dystrophy; Jeune's syndrome; Chondroectodermal dysplasia-like syndrome; Short-rib thoracic dysplasia. Identifiers: Orphanet 474, MedGen C0265275, MONDO:0018770.

Allele frequency attached by ClinVar (database versions not stated): gnomAD 0.00001; gnomAD exomes 0.00001; TOPMed 0.00001.
gnomAD v4.1: 9 of 1,613,818 alleles (0.00056%); highest among the groups gnomAD compares: Admixed American, 0.0017%; no homozygotes.

Submissions (2):

Labcorp Genetics (formerly Invitae), Labcorp
Classification: Uncertain significance for Jeune thoracic dystrophy. Last evaluated: 2025-01-27. Review status: criteria provided, single submitter. Criteria: Invitae Variant Classification Sherloc (09022015). Collection method: clinical testing. Allele origin: germline.
Comment: This sequence change replaces phenylalanine, which is neutral and non-polar, with cysteine, which is neutral and slightly polar, at codon 12 of the DYNC2H1 protein (p.Phe12Cys). This variant is present in population databases (no rsID available, gnomAD 0.0009%). This variant has not been reported in the literature in individuals affected with DYNC2H1-related conditions. ClinVar contains an entry for this variant (Variation ID: 2159867). Invitae Evidence Modeling of protein sequence and biophysical properties (such as structural, functional, and spatial information, amino acid conservation, physicochemical variation, residue mobility, and thermodynamic stability) indicates that this missense variant is expected to disrupt DYNC2H1 protein function with a positive predictive value of 95%. In summary, the available evidence is currently insufficient to determine the role of this variant in disease. Therefore, it has been classified as a Variant of Uncertain Significance.

Ambry Genetics
Classification: Uncertain significance for Inborn genetic diseases. Last evaluated: 2021-08-16. Review status: criteria provided, single submitter. Criteria: Ambry Variant Classification Scheme 2023. Collection method: clinical testing. Allele origin: germline.